The following is an entry in ClinVar:

NM_182643.3(DLC1):c.3679G>A (p.Val1227Met)

Gene: DLC1 (DLC1 Rho GTPase activating protein; minus strand). Cytogenetic location: 8p22.
Variant type: single nucleotide variant.
Coding change: c.3679G>A on transcript NM_182643.3 (MANE Select); coding-DNA position 3679, G replaced by A.
Protein change: p.Val1227Met; replaces valine 1227 with methionine.
Molecular consequence: missense variant.
Genome position (GRCh38, 1-based): chr8:13,092,673, C>T on the plus strand (G>A on the coding strand, the complement: DLC1 is on the minus strand). VCF-style: chr8-13092673-C-T. GRCh37 (hg19) VCF-style: chr8-12950182-C-T.
Other names: c.2146G>A, p.Val716Met (NM_001164271.2, NM_001348082.2, NM_001348083.1 and 6 more transcripts); c.2470G>A, p.Val824Met (NM_001316668.2, NM_001413129.1); c.3679G>A, p.Val1227Met (NM_001348081.2, NM_001413124.1); c.2461G>A, p.Val821Met (NM_001413130.1); c.2119G>A, p.Val707Met (NM_001413131.1, NM_001413137.1); c.2605G>A, p.Val869Met (NM_001413132.1); c.2368G>A, p.Val790Met (NM_001413135.1, NM_001413136.1, NM_001413139.1 and 1 more transcripts); c.2503G>A, p.Val835Met (NM_001413140.1); short protein forms V1227M, V716M, V869M, V707M, V790M, V821M, V824M, V835M.
Identifiers: ClinVar variation 3697729 (VCV003697729.2).
Genomic context (GRCh38, chr8:13,092,673, plus strand): 5'-TGGGAGAGGAATTCTCTCTCTTCAGGGTGTTGAGATGGAAGAGGGAAGGCGCTAAGCACA[C>T]GGCCAGGTTGGTTGGGGTCATCTGGTTTTCTTTTACGGCTGCTGTGACATCGCTCAGGAA-3'
Protein context (NP_872584.2, residues 1217-1237): ENQMTPTNLA[Val1227Met]CLAPSLFHLN

ClinVar aggregate classification (germline): Uncertain significance (1 of 4 stars; one submission).

gnomAD v4.1: 21 of 1,614,060 alleles (0.0013%); highest among the groups gnomAD compares: South Asian, 0.0077%; no homozygotes.

Submission:

Labcorp Genetics (formerly Invitae), Labcorp
Classification: Uncertain significance. Last evaluated: 2024-10-15. Review status: criteria provided, single submitter. Criteria: Invitae Variant Classification Sherloc (09022015). Collection method: clinical testing. Allele origin: germline.
Comment: This sequence change replaces valine, which is neutral and non-polar, with methionine, which is neutral and non-polar, at codon 1227 of the DLC1 protein (p.Val1227Met). This variant is present in population databases (rs201136617, gnomAD 0.003%). This variant has not been reported in the literature in individuals affected with DLC1-related conditions. An algorithm developed to predict the effect of missense changes on protein structure and function (PolyPhen-2) suggests that this variant is likely to be disruptive. In summary, the available evidence is currently insufficient to determine the role of this variant in disease. Therefore, it has been classified as a Variant of Uncertain Significance.